The following is an entry in ClinVar:

NM_003074.4(SMARCC1):c.849G>T (p.Glu283Asp)

Gene: SMARCC1 (SWI/SNF related BAF chromatin remodeling complex subunit C1; minus strand). Cytogenetic location: 3p21.31.
Variant type: single nucleotide variant.
Coding change: c.849G>T on transcript NM_003074.4 (MANE Select); coding-DNA position 849, G replaced by T.
Protein change: p.Glu283Asp; replaces glutamic acid 283 with aspartic acid.
Molecular consequence: missense variant.
Genome position (GRCh38, 1-based): chr3:47,710,752, C>A on the plus strand (G>T on the coding strand, the complement: SMARCC1 is on the minus strand). VCF-style: chr3-47710752-C-A. GRCh37 (hg19) VCF-style: chr3-47752242-C-A.
Other names: short protein forms E283D.
Identifiers: ClinVar variation 3781126 (VCV003781126.1).

ClinVar aggregate classification (germline): Uncertain significance (1 of 4 stars; one submission).

Submission:

GeneDx
Classification: Uncertain significance. Last evaluated: 2024-10-17. Review status: criteria provided, single submitter. Criteria: GeneDx Variant Classification Process June 2021. Collection method: clinical testing. Allele origin: germline. Affected: yes.
Comment: Not observed at significant frequency in large population cohorts (gnomAD); In silico analysis supports that this missense variant has a deleterious effect on protein structure/function; Has not been previously published as pathogenic or benign to our knowledge